The following is an entry in ClinVar:

ClinVar aggregate classification (germline): Pathogenic (1 of 4 stars; one submission).

Conditions:
Factor XI deficiency. Identifiers: MedGen C4321502, MONDO:0020587.

gnomAD v4.1: 2 of 1,614,210 alleles (0.00012%); highest among the groups gnomAD compares: Admixed American, 0.0017%; no homozygotes.

Submission:

North West Genomic Laboratory Hub, Manchester University NHS Foundation Trust
Classification: Pathogenic for Factor XI deficiency. Last evaluated: 2025-03-14. Review status: criteria provided, single submitter. Criteria: ACGS Best Practice Guidelines for Variant Classification in Rare Disease 2024. Collection method: clinical testing. Allele origin: germline. Affected: yes.
Comment: PM2_Mod PVS1_VStr PP4_Mod

NM_000128.4(F11):c.1196G>A (p.Trp399Ter)

Gene: F11 (coagulation factor XI; plus strand). Cytogenetic location: 4q35.2.
Variant type: single nucleotide variant.
Coding change: c.1196G>A on transcript NM_000128.4 (MANE Select); coding-DNA position 1196, G replaced by A.
Protein change: p.Trp399Ter; replaces tryptophan 399 with a stop codon.
Molecular consequence: nonsense.
Genome position (GRCh38, 1-based): chr4:186,284,152, G>A. VCF-style: chr4-186284152-G-A. GRCh37 (hg19) VCF-style: chr4-187205306-G-A.
Other names: c.1148G>A, p.Trp383Ter (NM_001440596.1, NM_001440590.1); c.926G>A, p.Trp309Ter (NM_001440605.1, NM_001440607.1); c.878G>A, p.Trp293Ter (NM_001440606.1, NM_001440608.1); c.1196G>A, p.Trp399Ter (NM_001440593.1); short protein forms W293*, W309*, W383*, W399*.
Identifiers: ClinVar variation 4852402 (VCV004852402.1).